The following is an entry in ClinVar:

NM_032776.3(JMJD1C):c.6830+5G>C

Gene: JMJD1C (jumonji domain containing 1C; minus strand). Cytogenetic location: 10q21.3.
Variant type: single nucleotide variant.
Coding change: c.6830+5G>C on transcript NM_032776.3 (MANE Select); 5 bases into the intron after coding-DNA position 6830, G replaced by C.
Molecular consequence: intron variant.
Genome position (GRCh38, 1-based): chr10:63,185,558, C>G on the plus strand (G>C on the coding strand, the complement: JMJD1C is on the minus strand). VCF-style: chr10-63185558-C-G. GRCh37 (hg19) VCF-style: chr10-64945318-C-G.
Other names: c.6173+5G>C (NM_001322258.2, NM_001322254.2); c.6284+5G>C (NM_001318154.2, NM_001282948.2); c.6716+5G>C (NM_001322252.2); c.5966+5G>C (NM_001318153.2).
Identifiers: ClinVar variation 2851439 (VCV002851439.3), dbSNP rs2492352387, ClinGen allele CA2739275707.
Genomic context (GRCh38, chr10:63,185,558, plus strand): 5'-CTATCTCTGGGGACAGTCTTAGCTCGATCTCAAAAAGTCAAGAGTCAAAATGAAAAGTTT[C>G]AAACCTTGCTGGCATCATAGTCTTGAAGTCTTCTCCTGAAGGCCAGTCTTTCAATTTTAA-3'

ClinVar aggregate classification (germline): Uncertain significance (1 of 4 stars; one submission).

Conditions:
Early Myoclonic Encephalopathy. Identifiers: MedGen C0270855.

Submission:

Labcorp Genetics (formerly Invitae), Labcorp
Classification: Uncertain significance for Early Myoclonic Encephalopathy. Last evaluated: 2023-04-01. Review status: criteria provided, single submitter. Criteria: Invitae Variant Classification Sherloc (09022015). Collection method: clinical testing. Allele origin: germline.
Comment: This sequence change falls in intron 20 of the JMJD1C gene. It does not directly change the encoded amino acid sequence of the JMJD1C protein. It affects a nucleotide within the consensus splice site. This variant is not present in population databases (gnomAD no frequency). This variant has not been reported in the literature in individuals affected with JMJD1C-related conditions. Variants that disrupt the consensus splice site are a relatively common cause of aberrant splicing (PMID: 17576681, 9536098). Algorithms developed to predict the effect of sequence changes on RNA splicing suggest that this variant may disrupt the consensus splice site. In summary, the available evidence is currently insufficient to determine the role of this variant in disease. Therefore, it has been classified as a Variant of Uncertain Significance.

Literature cited by the submitters: PubMed 17576681; PubMed 9536098.